The following is an entry in ClinVar:

NM_006767.4(LZTR1):c.1155del (p.Ser386fs)

Gene: LZTR1 (leucine zipper like post translational regulator 1; plus strand). Cytogenetic location: 22q11.21.
Variant type: Deletion.
Coding change: c.1155del on transcript NM_006767.4 (MANE Select); coding-DNA position 1155, one base deleted (C; older notation c.1155delC).
Protein change: p.Ser386fs; shifts the reading frame from serine 386.
Molecular consequence: frameshift variant.
Genome position (GRCh38, 1-based): chr22:20,992,799, C deleted; the last of 3 consecutive C bases (chr22:20,992,797-20,992,799); deleting any one gives the same sequence. VCF-style (leftmost placement, unchanged base first): chr22-20992796-GC-G. GRCh37 (hg19) VCF-style: chr22-21347085-GC-G.
Other names: short protein forms S386fs.
Identifiers: ClinVar variation 4859335 (VCV004859335.1).

ClinVar aggregate classification (germline): Pathogenic (1 of 4 stars; one submission).

Conditions:
Cardiovascular phenotype. Identifiers: MedGen CN230736.
Hereditary cancer-predisposing syndrome. Also called: Neoplastic Syndromes, Hereditary; Tumor predisposition; Hereditary Cancer Syndrome; Hereditary neoplastic syndrome. Identifiers: Orphanet 140162, MedGen C0027672, MeSH D009386, MONDO:0015356.

Submission:

Ambry Genetics
Classification: Pathogenic for Cardiovascular phenotype; Hereditary cancer-predisposing syndrome. Last evaluated: 2026-04-13. Review status: criteria provided, single submitter. Criteria: Ambry Variant Classification Scheme 2023. Collection method: clinical testing. Allele origin: germline.
Comment: The c.1155delC pathogenic mutation, located in coding exon 11 of the LZTR1 gene, results from a deletion of one nucleotide at nucleotide position 1155, causing a translational frameshift with a predicted alternate stop codon (p.S386Vfs*75). This variant was reported in individual(s) with features consistent with LZTR1-related schwannomatosis (Ambry internal data). This variant is considered to be rare based on population cohorts in the Genome Aggregation Database (gnomAD). This variant is expected to result in loss of function by premature protein truncation or nonsense-mediated mRNA decay. Loss-of-function variants in LZTR1 are related to an increased risk for schwannomas and autosomal recessive Noonan syndrome; however, such associations with autosomal dominant Noonan syndrome have not been observed (Piotrowski A et al. Nat Genet. 2014 Feb;46:182-7; Yamamoto GL et al. J Med Genet. 2015 Jun;52:413-21; Johnston JJ et al. Genet Med. 2018 10;20:1175-1185). Based on the supporting evidence, this variant is pathogenic for an increased risk of LZTR1-related schwannomatosis (SWN) and would be expected to cause autosomal recessive Noonan syndrome when present along with a second pathogenic or likely pathogenic variant on the other allele; however, the association of this variant with autosomal dominant Noonan syndrome is unlikely.